The following is an entry in ClinVar:

ClinVar aggregate classification (germline): Benign. Review status: criteria provided, multiple submitters, no conflicts (2 of 4 stars). 11 submissions from 11 submitters: Benign (9). 2 of the submissions do not count toward it. Last evaluated 2026-05-08.

Conditions:
Acrocapitofemoral dysplasia (ACFD). Identifiers: Orphanet 63446, MedGen C1843096, MONDO:0011907, OMIM 607778.
Brachydactyly type A1. Also called: FARABEE-TYPE BRACHYDACTYLY; SHORT STATURE WITH NONSPECIFIC SKELETAL ABNORMALITIES 2. Identifiers: Orphanet 93388, MedGen C1862151, MONDO:0007215, OMIM 112500, HP:0009371.

Allele frequency attached by ClinVar (database versions not stated): 1000 Genomes Project 0.48482; 1000 Genomes Project 30x 0.48548; TOPMed 0.55741; gnomAD 0.58275 and 0.58582; ESP Exome Variant Server 0.59442; gnomAD exomes 0.59637 and 0.64117; ExAC 0.59901.

Submissions (11):

Women's Health and Genetics/Laboratory Corporation of America, LabCorp
Classification: Benign. Last evaluated: 2026-05-08. Review status: criteria provided, single submitter. Criteria: LabCorp Variant Classification Summary - May 2015. Collection method: clinical testing. Allele origin: germline.

Labcorp Genetics (formerly Invitae), Labcorp
Classification: Benign. Last evaluated: 2026-02-04. Review status: criteria provided, single submitter. Criteria: Invitae Variant Classification Sherloc (09022015). Collection method: clinical testing. Allele origin: germline.

Blueprint Genetics
Classification: Benign. Last evaluated: 2024-11-26. Review status: criteria provided, single submitter. Criteria: ACMG Guidelines, 2015. Collection method: clinical testing. Allele origin: germline.

Genome-Nilou Lab
Classification: Benign for Acrocapitofemoral dysplasia. Last evaluated: 2021-08-10. Review status: criteria provided, single submitter. Criteria: ACMG Guidelines, 2015. Collection method: clinical testing. Allele origin: germline. Affected: no.

Mayo Clinic Laboratories, Mayo Clinic
Classification: Benign. Last evaluated: 2021-04-07. Review status: criteria provided, single submitter. Criteria: ACMG Guidelines, 2015. Collection method: clinical testing. Allele origin: germline. Observed: 1 variant allele.

GeneDx
Classification: Benign. Last evaluated: 2018-12-02. Review status: criteria provided, single submitter. Criteria: GeneDx Variant Classification Process June 2021. Collection method: clinical testing. Allele origin: germline. Affected: yes.
Comment: This variant is associated with the following publications: (PMID: 12525541, 14651602)

Eurofins Ntd Llc (ga)
Classification: Benign. Last evaluated: 2018-07-27. Review status: criteria provided, single submitter. Criteria: EGL ClinVar v180209 classification definitions. Collection method: clinical testing. Allele origin: germline. Observed: 1 variant allele, 1 homozygote.

Illumina Laboratory Services, Illumina
Classification: Benign for Brachydactyly type A1. Last evaluated: 2018-01-12. Review status: criteria provided, single submitter. Criteria: ICSL Variant Classification Criteria 13 December 2019. Collection method: clinical testing. Allele origin: germline.
Comment: This variant was observed in the ICSL laboratory as part of a predisposition screen in an ostensibly healthy population. It had not been previously curated by ICSL or reported in the Human Gene Mutation Database (HGMD: prior to June 1st, 2018), and was therefore a candidate for classification through an automated scoring system. Utilizing variant allele frequency, disease prevalence and penetrance estimates, and inheritance mode, an automated score was calculated to assess if this variant is too frequent to cause the disease. Based on the score and internal cut-off values, a variant classified as benign is not then subjected to further curation. The score for this variant resulted in a classification of benign for this disease.

Breakthrough Genomics
Classification: Benign. Review status: criteria provided, single submitter. Criteria: ACMG Guidelines, 2015. Collection method: not provided. Allele origin: germline. Inheritance: Autosomal recessive inheritance. Affected: yes.

Clinical Genetics DNA and cytogenetics Diagnostics Lab, Erasmus MC, Erasmus Medical Center
Classification: Benign. Review status: no assertion criteria provided. Collection method: clinical testing. Allele origin: germline. Affected: yes. Study: VKGL Data-share Consensus. Not counted in ClinVar's aggregate classification.

Diagnostic Laboratory, Department of Genetics, University Medical Center Groningen
Classification: Benign. Review status: no assertion criteria provided. Collection method: clinical testing. Allele origin: germline. Affected: yes. Study: VKGL Data-share Consensus. Not counted in ClinVar's aggregate classification.

NM_002181.4(IHH):c.753T>C (p.Pro251=)

Gene: IHH (Indian hedgehog signaling molecule; minus strand). Cytogenetic location: 2q35.
Variant type: single nucleotide variant.
Coding change: c.753T>C on transcript NM_002181.4 (MANE Select); coding-DNA position 753, T replaced by C.
Protein change: p.Pro251=; no amino-acid change (proline 251 retained).
Molecular consequence: synonymous variant.
Genome position (GRCh38, 1-based): chr2:219,055,690, A>G on the plus strand (T>C on the coding strand, the complement: IHH is on the minus strand). VCF-style: chr2-219055690-A-G. GRCh37 (hg19) VCF-style: chr2-219920412-A-G.
Other names: p.Pro251=.
Identifiers: ClinVar variation 334440 (VCV000334440.28), dbSNP rs3731881, ClinGen allele CA2116617.